The following is an entry in ClinVar:

ClinVar aggregate classification (germline): Uncertain significance (1 of 4 stars; one submission).

gnomAD v4.1: 2 of 1,614,118 alleles (0.00012%); highest among the groups gnomAD compares: Non-Finnish European, 0.00017%; no homozygotes.

Submission:

GeneDx
Classification: Uncertain significance. Last evaluated: 2023-10-20. Review status: criteria provided, single submitter. Criteria: GeneDx Variant Classification Process June 2021. Collection method: clinical testing. Allele origin: germline. Affected: yes.
Comment: Not observed at significant frequency in large population cohorts (gnomAD); In silico analysis supports that this missense variant does not alter protein structure/function; Has not been previously published as pathogenic or benign to our knowledge

NM_001257293.2(HNRNPH1):c.1225G>A (p.Gly409Arg)

Genes: HNRNPH1 (heterogeneous nuclear ribonucleoprotein H1; minus strand), LOC128966623 (uncharacterized LOC128966623; plus strand). Cytogenetic location: 5q35.3.
Variant type: single nucleotide variant.
Coding change: c.1225G>A on transcript NM_001257293.2 (MANE Select); coding-DNA position 1225, G replaced by A.
Protein change: p.Gly409Arg; replaces glycine 409 with arginine.
Molecular consequence: missense variant.
Genome position (GRCh38, 1-based): chr5:179,616,201, C>T on the plus strand (G>A on the coding strand, the complement: HNRNPH1 is on the minus strand). VCF-style: chr5-179616201-C-T. GRCh37 (hg19) VCF-style: chr5-179043202-C-T.
Other names: c.1165G>A, p.Gly389Arg (NM_001363572.2, NM_001364230.2, NM_001364232.2 and 5 more transcripts); c.1225G>A, p.Gly409Arg (NM_001364225.2, NM_001364226.2, NM_001364227.2 and 11 more transcripts); c.1234G>A, p.Gly412Arg (NM_001364231.2, NM_001395176.1); c.1144G>A, p.Gly382Arg (NM_001364240.2, NM_001364248.2); c.1204G>A, p.Gly402Arg (NM_001364241.2, NM_001364242.2, NM_001364243.2 and 3 more transcripts); c.1195G>A, p.Gly399Arg (NM_001364244.2, NM_001395181.1, NM_001395187.1 and 1 more transcripts); c.1069G>A, p.Gly357Arg (NM_001364250.2); c.622G>A, p.Gly208Arg (NM_001364251.2, NM_001364252.2, NM_001364253.2 and 3 more transcripts); and 7 more; short protein forms G198R, G208R, G272R, G283R, G303R, G332R, G357R, G382R.
Identifiers: ClinVar variation 3363349 (VCV003363349.1).